The following is an entry in ClinVar:

ClinVar aggregate classification (germline): Uncertain significance (1 of 4 stars; one submission).

Submission:

Labcorp Genetics (formerly Invitae), Labcorp
Classification: Uncertain significance. Last evaluated: 2025-04-28. Review status: criteria provided, single submitter. Criteria: Invitae Variant Classification Sherloc (09022015). Collection method: clinical testing. Allele origin: germline.
Comment: This variant, c.4208_4210del, results in the deletion of 1 amino acid(s) of the TUBGCP6 protein (p.Glu1403del), but otherwise preserves the integrity of the reading frame. This variant is not present in population databases (gnomAD no frequency). This variant has not been reported in the literature in individuals affected with TUBGCP6-related conditions. Experimental studies and prediction algorithms are not available or were not evaluated, and the functional significance of this variant is currently unknown. In summary, the available evidence is currently insufficient to determine the role of this variant in disease. Therefore, it has been classified as a Variant of Uncertain Significance.

NM_020461.4(TUBGCP6):c.4205AGG[1] (p.Glu1403del)

Gene: TUBGCP6 (tubulin gamma complex component 6; minus strand). Cytogenetic location: 22q13.33.
Variant type: Microsatellite.
Coding change: c.4205AGG[1] on transcript NM_020461.4 (MANE Select); one copy of the 3-base unit AGG starting at c.4205; the reference has two copies in a row; one copy, 3 bases deleted.
Protein change: p.Glu1403del; deletes glutamic acid 1403.
Molecular consequence: inframe deletion.
Genome position (GRCh38, 1-based): chr22:50,219,749-50,219,751, CCT deleted on the plus strand (AGG on the coding strand, the reverse complement: TUBGCP6 is on the minus strand); deleting any 3 consecutive bases within chr22:50,219,749-50,219,755 gives the same sequence; the position shown is the placement nearest the transcript's 3' end. VCF-style (leftmost placement, unchanged base first): chr22-50219748-GCCT-G. GRCh37 (hg19) VCF-style: chr22-50658177-GCCT-G.
Other names: short protein forms E1403del.
Identifiers: ClinVar variation 1486952 (VCV001486952.8), dbSNP rs2064484534, ClinGen allele CA1026635875.